The following is an entry in ClinVar:

ClinVar aggregate classification (germline): Pathogenic (1 of 4 stars; one submission).

Conditions:
CHARGE syndrome (CHARGE). Also called: Coloboma, heart anomaly, choanal atresia, retardation, genital and ear anomalies; CHARGE association; Hall-Hittner syndrome; Hittner Hirsch Kreh syndrome; CHARGE ASSOCIATION--COLOBOMA, HEART ANOMALY, CHOANAL ATRESIA, RETARDATION, GENITAL AND EAR ANOMALIES. Identifiers: Orphanet 138, MedGen C0265354, MONDO:0008965.

Submission:

Labcorp Genetics (formerly Invitae), Labcorp
Classification: Pathogenic for CHARGE syndrome. Last evaluated: 2021-11-30. Review status: criteria provided, single submitter. Criteria: Invitae Variant Classification Sherloc (09022015). Collection method: clinical testing. Allele origin: germline.
Comment: This sequence change creates a premature translational stop signal (p.Ser699Ilefs*12) in the CHD7 gene. It is expected to result in an absent or disrupted protein product. Loss-of-function variants in CHD7 are known to be pathogenic (PMID: 22461308, 25077900). This variant is not present in population databases (gnomAD no frequency). This variant has not been reported in the literature in individuals affected with CHD7-related conditions. This variant is also known as c.2096+1del. Algorithms developed to predict the effect of sequence changes on RNA splicing suggest that this variant may disrupt the consensus splice site. For these reasons, this variant has been classified as Pathogenic.

Literature cited by the submitters: PubMed 22461308; PubMed 25077900.

NM_017780.4(CHD7):c.2096+1del

Genes: CHD7 (chromodomain helicase DNA binding protein 7; plus strand), LOC126860403 (CDK7 strongly-dependent group 2 enhancer GRCh37_chr8:61693034-61694233; plus strand). Cytogenetic location: 8q12.2.
Variant type: Deletion.
Coding change: c.2096+1del on transcript NM_017780.4 (MANE Select); the canonical splice donor site of the intron after coding-DNA position 2096, one base deleted (G; older notation c.2096+1delG).
Molecular consequence: splice donor variant. On other transcripts: intron variant (1).
Genome position (GRCh38, 1-based): chr8:60,781,431, G deleted; the last of 2 consecutive G bases (chr8:60,781,430-60,781,431); deleting either gives the same sequence. VCF-style (leftmost placement, unchanged base first): chr8-60781429-AG-A. GRCh37 (hg19) VCF-style: chr8-61693988-AG-A.
Other names: c.1716+381del (NM_001316690.1).
Identifiers: ClinVar variation 1458695 (VCV001458695.6), dbSNP rs2150670337, ClinGen allele CA2573143244.